The following is an entry in ClinVar:

NM_000153.4(GALC):c.334A>G (p.Thr112Ala)

Gene: GALC (galactosylceramidase; minus strand). Cytogenetic location: 14q31.3.
Variant type: single nucleotide variant.
Coding change: c.334A>G on transcript NM_000153.4 (MANE Select); coding-DNA position 334, A replaced by G.
Protein change: p.Thr112Ala; replaces threonine 112 with alanine.
Molecular consequence: missense variant.
Genome position (GRCh38, 1-based): chr14:87,986,597, T>C on the plus strand (A>G on the coding strand, the complement: GALC is on the minus strand). VCF-style: chr14-87986597-T-C. GRCh37 (hg19) VCF-style: chr14-88452941-T-C.
Other names: c.265A>G, p.Thr89Ala (NM_001201401.2); c.256A>G, p.Thr86Ala (NM_001201402.2); short protein forms T112A, T89A, T86A.
Identifiers: ClinVar variation 92503 (VCV000092503.99), dbSNP rs147313927, ClinGen allele CA220408.

ClinVar aggregate classification (germline): Conflicting classifications of pathogenicity. Review status: criteria provided, conflicting classifications (1 of 4 stars). 31 submissions from 31 submitters: Pathogenic (3); Likely pathogenic (7); Uncertain significance (14). 7 of the submissions do not count toward it. Last evaluated 2026-07-01.

Conditions:
GALC-related disorder. Also called: GALC-related condition.
Galactosylceramide beta-galactosidase deficiency. Also called: GLOBOID CELL LEUKOENCEPHALOPATHY; Leukodystrophy, Globoid Cell; Krabbe Disease; GALACTOCEREBROSIDASE DEFICIENCY; GALC DEFICIENCY. Identifiers: Orphanet 487, MedGen C0023521, MONDO:0009499, OMIM 245200.

Allele frequency attached by ClinVar (database versions not stated): TOPMed 0.00220; gnomAD 0.00223 and 0.00229; ESP Exome Variant Server 0.00268; 1000 Genomes Project 30x 0.00078; 1000 Genomes Project 0.00100.
gnomAD v4.1: 6,082 of 1,608,454 alleles (0.38%); highest among the groups gnomAD compares: Non-Finnish European, 0.46%; 23 homozygotes.

Submissions 1 to 9 of 31:

CeGaT Center for Human Genetics Tuebingen
Classification: Uncertain significance. Last evaluated: 2026-07-01. Review status: criteria provided, single submitter. Criteria: CeGaT Center For Human Genetics Tuebingen Variant Classification Criteria Version 2. Collection method: clinical testing. Allele origin: germline. Affected: yes. Observed: 14 variant alleles.
Comment: GALC: PS3:Moderate, PP3

Women's Health and Genetics/Laboratory Corporation of America, LabCorp
Classification: Uncertain significance. Last evaluated: 2026-06-02. Review status: criteria provided, single submitter. Criteria: LabCorp Variant Classification Summary - May 2015. Collection method: clinical testing. Allele origin: germline.
Comment: Variant summary: GALC c.334A>G (p.Thr112Ala), also reported as p.Thr96Ala in the literature, results in a non-conservative amino acid change in the encoded protein sequence. Algorithms developed to predict the effect of missense changes on protein structure and function all suggest that this variant is likely to be disruptive. The variant allele was found at a frequency of 0.0025 in 248976 control chromosomes, predominantly at a frequency of 0.0041 within the Non-Finnish European subpopulation in the gnomAD database, including 1 homozygote. The observed variant frequency within Non-Finnish European control individuals in the gnomAD database exceeds the estimated maximal expected allele frequency for disease-causing variants in GALC. c.334A>G has been reported in the literature in multiple individuals affected with adult onset cases of Krabbe Disease (Globoid Cell Leukodystrophy (GCL), Debs_2013, Luzi_1996). In one French Canadian family, the variant was observed in a compound heterozygous genotype with co-segregation across two generations in 5 patients who were diagnosed with adult onset of Krabbe disease (Shao_2016). In newborn screening done for Krabbe disease at New York State, the infants carrying this variant were classified diagnostically in moderate, low, and no-risk categories, but none were classified as being at high risk (Orsini_2016). Recently, this variant has also been reported in the literature in two homozygous individuals diagnosed with Krabbe disease (Alfares_2018, Nashabat_2019). One of these patients had infantile onset of the disease (Nashabat_2019). However, both reports do not unequivocally confirm the biochemical and clinical features of this disease either due to non-reporting of testing information in the patient reported by Alfares_2018 OR normal CSF protein levels, equivocal MRI measurements, conflicting measurements of enzyme activity in blood (normal activity) and fibroblasts (moderate reduction) and no information regarding psychosine levels in the patient reported by Nashabat_2019. At least one publication reports experimental evidence evaluating an impact on protein function. The most pronounced variant effect results in 10%-<30% of normal activity (Saavedra-Martiz_2016). The following publications have been ascertained in the context of this evaluation (PMID: 26795590, 8687180, 27638593, 30609409, 30202406, 23197103, 31053700, 26915362, 36781956). ClinVar contains an entry for this variant (Variation ID: 92503). Based on the evidence outlined above, the variant was classified as VUS-possibly pathogenic.

PreventionGenetics, part of Exact Sciences
Classification: Likely pathogenic for GALC-related condition. Last evaluated: 2026-02-19. Review status: criteria provided, single submitter. Criteria: ACMG Guidelines, 2015. Collection method: clinical testing. Allele origin: germline.
Comment: The GALC c.334A>G variant is predicted to result in the amino acid substitution p.Thr112Ala. This variant (also called T96A in the literature) has been reported in the compound heterozygous state in at least 3 unrelated individuals affected with late-onset Krabbe phenotypes (Luzi et al. 1996. PubMed ID: 8687180; Shao et al. 2016. PubMed ID: 26915362; Debs et al. 2013. PubMed ID: 23197103). In a two-generation pedigree, this variant segregated with another suspected pathogenic variant in five affected individuals (Shao et al. 2016. PubMed ID: 26915362). However, this variant is relatively common in the general population. It is documented in 0.4% of non-Finish European alleles with four homozygotes in the gnomAD database. Functional studies suggest that p.Thr112Ala causes a reduction in enzyme activity, but not to a level associated with infantile Krabbe disease (Saavedra-Matiz et al. 2016. PubMed ID: 27638593; Orsini et al. 2016. PubMed ID: 26795590). Consistent with the high population frequency and reduced enzyme function, this variant was the most common allele associated with low GALC enzyme activity by one newborn screening laboratory (Orsini et al. 2016. PubMed ID: 26795590). However, none of those infants received a clinical diagnosis of Krabbe disease. Taken together, the collective evidence suggests that this variant is likely pathogenic for late-onset Krabbe disease in compound heterozygosity with a more severe loss-of-function allele.

Labcorp Genetics (formerly Invitae), Labcorp
Classification: Uncertain significance for Galactosylceramide beta-galactosidase deficiency. Last evaluated: 2026-02-01. Review status: criteria provided, single submitter. Criteria: Invitae Variant Classification Sherloc (09022015). Collection method: clinical testing. Allele origin: germline.
Comment: This sequence change replaces threonine, which is neutral and polar, with alanine, which is neutral and non-polar, at codon 112 of the GALC protein (p.Thr112Ala). This variant is present in population databases (rs147313927, gnomAD 0.4%), and has an allele count higher than expected for a pathogenic variant. This variant has been reported in combination with other GALC variants in individuals affected with late-onset Krabbe disease with evidence of disease co-segregation in one family (PMID: 23197103, 26915362). This variant is also one of the most common variants that is detected in newborns who are referred for low galactocerebrosidase activity on newborn screening, but interestingly, none of the newborns were categorized as high risk for Krabbe disease (PMID: 26795590). One study has suggested that the p.Thr112Ala variant may become a disease-associated allele only when it co-occurs on the same chromosome (in cis) with the p.Ile562Thr polymorphism (PMID: 27638593). However, the evidence is not sufficient to support a pathogenic haplotype at this time. It has also been observed to segregate with disease in related individuals. ClinVar contains an entry for this variant (Variation ID: 92503). Invitae Evidence Modeling of protein sequence and biophysical properties (such as structural, functional, and spatial information, amino acid conservation, physicochemical variation, residue mobility, and thermodynamic stability) has been performed for this missense variant. However, the output from this modeling did not meet the statistical confidence thresholds required to predict the impact of this variant on GALC protein function. Experimental studies have shown that this missense change alone causes a mild reduction of GALC enzyme activity in vitro and the effect is exacerbated in the presence of other GALC variants in cis (PMID: 27638593). In summary, while this variant has been reported in individuals with Krabbe disease in the literature, there are multiple homozygous individuals observed in population databases. In addition, clinical and experimental data suggest that co-occurrence in cis with other GALC variant(s) may be required for this variant to be disease-causing (PMID: 27638593). The available evidence is currently insufficient to determine the role of this variant in disease. Therefore, it has been classified as a Variant of Uncertain Significance.

GeneDx
Classification: Uncertain significance. Last evaluated: 2025-06-08. Review status: criteria provided, single submitter. Criteria: GeneDx Variant Classification Process June 2021. Collection method: clinical testing. Allele origin: germline. Affected: yes.
Comment: Reported previously in association with later-onset Krabbe disease in two individuals, one of whom had 5 additional coding variants in GALC and the second had 2 additional coding variants, the phase of the other variants in these cases was unknown (PMID: 8687180, 23197103); In silico analysis supports that this missense variant has a deleterious effect on protein structure/function; This variant is associated with the following publications: (PMID: 27276562, 24082139, 23891399, 27533158, 30609409, 23197103, 27638593, 23509109, 30202406, 31664448, 29481565, 31053700, 24388568, 26915362, 34426522, 32860008, 34065072, 31980526, 8687180, 26795590, 36964991, 36781956, 34531397, 33742171, 31847883, 32483926, 38837642, 37597066, TozkirH2025[casereport])

Revvity Omics, Revvity
Classification: Uncertain significance. Last evaluated: 2025-04-21. Review status: criteria provided, single submitter. Criteria: ACMG Guidelines, 2015. Collection method: clinical testing. Allele origin: germline.

Laboratory of Genetics, Children's Clinical University Hospital Latvia
Classification: Pathogenic. Last evaluated: 2025-02-16. Review status: criteria provided, single submitter. Criteria: ACMG Guidelines, 2015. Collection method: clinical testing. Allele origin: germline. Affected: yes.

Blueprint Genetics
Classification: Uncertain significance. Last evaluated: 2024-11-25. Review status: criteria provided, single submitter. Criteria: ACMG Guidelines, 2015. Collection method: clinical testing. Allele origin: germline.

Mayo Clinic Laboratories, Mayo Clinic
Classification: Uncertain significance. Last evaluated: 2024-11-14. Review status: criteria provided, single submitter. Criteria: ACMG Guidelines, 2015. Collection method: clinical testing. Allele origin: germline. Observed: 20 variant alleles.
Comment: BS1, PP3